The following is an entry in ClinVar:

ClinVar aggregate classification (germline): Likely benign (1 of 4 stars; one submission).

Submission:

GeneDx
Classification: Likely benign. Last evaluated: 2017-07-06. Review status: criteria provided, single submitter. Criteria: GeneDx Variant Classification (06012015). Collection method: clinical testing. Allele origin: germline. Affected: yes.
Comment: This variant is considered likely benign or benign based on one or more of the following criteria: it is a conservative change, it occurs at a poorly conserved position in the protein, it is predicted to be benign by multiple in silico algorithms, and/or has population frequency not consistent with disease.

NM_002691.4(POLD1):c.3068-13C>G

Gene: POLD1 (DNA polymerase delta 1, catalytic subunit; plus strand). Cytogenetic location: 19q13.33.
Variant type: single nucleotide variant.
Coding change: c.3068-13C>G on transcript NM_002691.4 (MANE Select); 13 bases into the intron before coding-DNA position 3068, C replaced by G.
Molecular consequence: intron variant.
Genome position (GRCh38, 1-based): chr19:50,417,032, C>G. VCF-style: chr19-50417032-C-G. GRCh37 (hg19) VCF-style: chr19-50920289-C-G.
Other names: c.3068-13C>G (NM_001256849.1, LRG_785t1); c.3146-13C>G (NM_001308632.1, LRG_785t2).
Identifiers: ClinVar variation 510724 (VCV000510724.1), dbSNP rs575387524, ClinGen allele CA309605545.